The following is an entry in ClinVar:

ClinVar aggregate classification (germline): Uncertain significance. Review status: criteria provided, multiple submitters, no conflicts (2 of 4 stars). 2 submissions from 2 submitters: Uncertain significance (2). Last evaluated 2024-03-27.

Conditions:
Early-infantile DEE. Also called: Early infantile epileptic encephalopathy with suppression bursts; Early infantile epileptic encephalopathy; Ohtahara syndrome. Identifiers: Orphanet 1934, MedGen C0393706, MONDO:0800491.
Inborn genetic diseases. Identifiers: MedGen C0950123, MeSH D030342.

Submissions (2):

Labcorp Genetics (formerly Invitae), Labcorp
Classification: Uncertain significance for Early-infantile DEE. Last evaluated: 2024-03-27. Review status: criteria provided, single submitter. Criteria: Invitae Variant Classification Sherloc (09022015). Collection method: clinical testing. Allele origin: germline.
Comment: This sequence change replaces arginine, which is basic and polar, with cysteine, which is neutral and slightly polar, at codon 371 of the SPTAN1 protein (p.Arg371Cys). This variant is not present in population databases (gnomAD no frequency). This variant has not been reported in the literature in individuals affected with SPTAN1-related conditions. Advanced modeling of protein sequence and biophysical properties (such as structural, functional, and spatial information, amino acid conservation, physicochemical variation, residue mobility, and thermodynamic stability) has been performed at Invitae for this missense variant, however the output from this modeling did not meet the statistical confidence thresholds required to predict the impact of this variant on SPTAN1 protein function. In summary, the available evidence is currently insufficient to determine the role of this variant in disease. Therefore, it has been classified as a Variant of Uncertain Significance.

Ambry Genetics
Classification: Uncertain significance for Inborn genetic diseases. Last evaluated: 2024-03-20. Review status: criteria provided, single submitter. Criteria: Ambry Variant Classification Scheme 2023. Collection method: clinical testing. Allele origin: germline.

NM_001130438.3(SPTAN1):c.1111C>T (p.Arg371Cys)

Gene: SPTAN1 (spectrin alpha, non-erythrocytic 1; plus strand). Cytogenetic location: 9q34.11.
Variant type: single nucleotide variant.
Coding change: c.1111C>T on transcript NM_001130438.3 (MANE Select); coding-DNA position 1111, C replaced by T.
Protein change: p.Arg371Cys; replaces arginine 371 with cysteine.
Molecular consequence: missense variant.
Genome position (GRCh38, 1-based): chr9:128,578,135, C>T. VCF-style: chr9-128578135-C-T. GRCh37 (hg19) VCF-style: chr9-131340414-C-T.
Other names: c.1111C>T, p.Arg371Cys (NM_001195532.2, NM_001363759.2, NM_001363765.2 and 5 more transcripts); c.1147C>T, p.Arg383Cys (NM_001375312.2, NM_001375318.1); short protein forms R371C, R383C.
Identifiers: ClinVar variation 3322410 (VCV003322410.3).